The following is an entry in ClinVar:

ClinVar aggregate classification (germline): Pathogenic (1 of 4 stars; one submission).

Submission:

Labcorp Genetics (formerly Invitae), Labcorp
Classification: Pathogenic. Last evaluated: 2022-06-15. Review status: criteria provided, single submitter. Criteria: Invitae Variant Classification Sherloc (09022015). Collection method: clinical testing. Allele origin: germline.
Comment: For these reasons, this variant has been classified as Pathogenic. This variant has not been reported in the literature in individuals affected with CAD-related conditions. This variant is not present in population databases (gnomAD no frequency). This sequence change creates a premature translational stop signal (p.Ala519Glyfs*32) in the CAD gene. It is expected to result in an absent or disrupted protein product. Loss-of-function variants in CAD are known to be pathogenic (PMID: 28007989, 32117025, 32820246, 33497533).

Literature cited by the submitters: PubMed 28007989; PubMed 32117025; PubMed 32820246; PubMed 33497533.

NM_004341.5(CAD):c.1556_1565del (p.Ala519fs)

Gene: CAD (carbamoyl-phosphate synthetase 2, aspartate transcarbamylase, and dihydroorotase; plus strand). Cytogenetic location: 2p23.3.
Variant type: Deletion.
Coding change: c.1556_1565del on transcript NM_004341.5 (MANE Select); coding-DNA positions 1556 to 1565, 10 bases deleted (CTGCCAGAAT; older notation c.1556_1565delCTGCCAGAAT).
Protein change: p.Ala519fs; shifts the reading frame from alanine 519.
Molecular consequence: frameshift variant.
Genome position (GRCh38, 1-based): chr2:27,225,179-27,225,188, CTGCCAGAAT deleted. VCF-style (leftmost placement, unchanged base first): chr2-27225178-GCTGCCAGAAT-G. GRCh37 (hg19) VCF-style: chr2-27448046-GCTGCCAGAAT-G.
Other names: c.1556_1565del, p.Ala519fs (NM_001306079.2); short protein forms A519fs.
Identifiers: ClinVar variation 2007350 (VCV002007350.4), dbSNP rs2465299809, ClinGen allele CA2580066222.